The following is an entry in ClinVar:

NM_001271.4(CHD2):c.2559C>T (p.Phe853=)

Gene: CHD2 (chromodomain helicase DNA binding protein 2; plus strand). Cytogenetic location: 15q26.1.
Variant type: single nucleotide variant.
Coding change: c.2559C>T on transcript NM_001271.4 (MANE Select); coding-DNA position 2559, C replaced by T.
Protein change: p.Phe853=; no amino-acid change (phenylalanine 853 retained).
Molecular consequence: synonymous variant.
Genome position (GRCh38, 1-based): chr15:92,974,932, C>T. VCF-style: chr15-92974932-C-T. GRCh37 (hg19) VCF-style: chr15-93518162-C-T.
Identifiers: ClinVar variation 3035258 (VCV003035258.2), dbSNP rs140272000, ClinGen allele CA7748008.

ClinVar aggregate classification (germline): Likely benign (0 of 4 stars; one submission).

Conditions:
CHD2-related disorder. Also called: CHD2-related condition.

Allele frequency attached by ClinVar (database versions not stated): ExAC 0.00001; TOPMed 0.00001; gnomAD 0.00002; ESP Exome Variant Server 0.00008.
gnomAD v4.1: 7 of 1,613,576 alleles (0.00043%); highest among the groups gnomAD compares: African/African-American, 0.0067%; no homozygotes.

Submission:

PreventionGenetics, part of Exact Sciences
Classification: Likely benign for CHD2-related condition. Last evaluated: 2019-08-12. Review status: no assertion criteria provided. Collection method: clinical testing. Allele origin: germline.
Comment: This variant is classified as likely benign based on ACMG/AMP sequence variant interpretation guidelines (Richards et al. 2015 PMID: 25741868, with internal and published modifications).